The following is an entry in ClinVar:

NM_021951.3(DMRT1):c.355-4C>T

Gene: DMRT1 (doublesex and mab-3 related transcription factor 1; plus strand). Cytogenetic location: 9p24.3.
Variant type: single nucleotide variant.
Coding change: c.355-4C>T on transcript NM_021951.3 (MANE Select); 4 bases into the intron before coding-DNA position 355, C replaced by T.
Molecular consequence: intron variant.
Genome position (GRCh38, 1-based): chr9:846,956, C>T. VCF-style: chr9-846956-C-T. GRCh37 (hg19) VCF-style: chr9-846956-C-T.
Other names: c.-120-4C>T (NM_001363767.1).
Identifiers: ClinVar variation 2056951 (VCV002056951.5), dbSNP rs200261277, ClinGen allele CA4961533.
Genomic context (GRCh38, chr9:846,956, plus strand): 5'-TTCTGTGTTTTGGCAAAGCTGATTCTGGAGTGCTGGAGGATGACTCATTGTCGTGTGCTT[C>T]CAGGTGGCCCTGAGAAGGCAGCAGGCCCAGGAGGAGGAATTGGGTATCAGCCACCCCATC-3'

ClinVar aggregate classification (germline): Benign/Likely benign. Review status: criteria provided, multiple submitters, no conflicts (2 of 4 stars). 2 submissions from 2 submitters: Benign (1); Likely benign (1). Last evaluated 2026-08-01.

Allele frequency attached by ClinVar (database versions not stated): gnomAD 0.00043; ESP Exome Variant Server 0.00046; gnomAD exomes 0.00042.
gnomAD v4.1: 689 of 1,613,996 alleles (0.043%); highest among the groups gnomAD compares: Non-Finnish European, 0.043%; 2 homozygotes.

Submissions (2):

CeGaT Center for Human Genetics Tuebingen
Classification: Likely benign. Last evaluated: 2026-08-01. Review status: criteria provided, single submitter. Criteria: CeGaT Center For Human Genetics Tuebingen Variant Classification Criteria Version 2. Collection method: clinical testing. Allele origin: germline. Affected: yes. Observed: 1 variant allele.
Comment: DMRT1: BP4, BS1

Labcorp Genetics (formerly Invitae), Labcorp
Classification: Benign. Last evaluated: 2025-10-02. Review status: criteria provided, single submitter. Criteria: Invitae Variant Classification Sherloc (09022015). Collection method: clinical testing. Allele origin: germline.